The following is an entry in ClinVar:

NM_003482.4(KMT2D):c.68C>T (p.Ser23Phe)

Gene: KMT2D (lysine methyltransferase 2D; minus strand). Cytogenetic location: 12q13.12.
Variant type: single nucleotide variant.
Coding change: c.68C>T on transcript NM_003482.4 (MANE Select); coding-DNA position 68, C replaced by T.
Protein change: p.Ser23Phe; replaces serine 23 with phenylalanine.
Molecular consequence: missense variant.
Genome position (GRCh38, 1-based): chr12:49,055,008, G>A on the plus strand (C>T on the coding strand, the complement: KMT2D is on the minus strand). VCF-style: chr12-49055008-G-A. GRCh37 (hg19) VCF-style: chr12-49448791-G-A.
Other names: short protein forms S23F.
Identifiers: ClinVar variation 2004716 (VCV002004716.5), dbSNP rs1938323806, ClinGen allele CA384690934.

ClinVar aggregate classification (germline): Uncertain significance. Review status: criteria provided, multiple submitters, no conflicts (2 of 4 stars). 2 submissions from 2 submitters: Uncertain significance (2). Last evaluated 2023-07-07.

Conditions:
Kabuki syndrome. Also called: NIIKAWA-KUROKI SYNDROME; Kabuki make-up syndrome. Identifiers: Orphanet 2322, MedGen C0796004, MONDO:0016512.

Allele frequency attached by ClinVar (database versions not stated): TOPMed below 0.00001; gnomAD exomes 0.00001.

Submissions (2):

GeneDx
Classification: Uncertain significance. Last evaluated: 2023-07-07. Review status: criteria provided, single submitter. Criteria: GeneDx Variant Classification Process June 2021. Collection method: clinical testing. Allele origin: germline. Affected: yes.
Comment: Not observed at significant frequency in large population cohorts (gnomAD); In silico analysis supports that this missense variant has a deleterious effect on protein structure/function; Has not been previously published as pathogenic or benign to our knowledge

Labcorp Genetics (formerly Invitae), Labcorp
Classification: Uncertain significance for Kabuki syndrome. Last evaluated: 2022-09-30. Review status: criteria provided, single submitter. Criteria: Invitae Variant Classification Sherloc (09022015). Collection method: clinical testing. Allele origin: germline.
Comment: This variant has not been reported in the literature in individuals affected with KMT2D-related conditions. This variant is not present in population databases (gnomAD no frequency). This sequence change replaces serine, which is neutral and polar, with phenylalanine, which is neutral and non-polar, at codon 23 of the KMT2D protein (p.Ser23Phe). Advanced modeling of protein sequence and biophysical properties (such as structural, functional, and spatial information, amino acid conservation, physicochemical variation, residue mobility, and thermodynamic stability) performed at Invitae indicates that this missense variant is not expected to disrupt KMT2D protein function. In summary, the available evidence is currently insufficient to determine the role of this variant in disease. Therefore, it has been classified as a Variant of Uncertain Significance.